The following is an entry in ClinVar:

NM_021871.4(FGA):c.368G>A (p.Arg123His)

Gene: FGA (fibrinogen alpha chain; minus strand). Cytogenetic location: 4q31.3.
Variant type: single nucleotide variant.
Coding change: c.368G>A on transcript NM_021871.4 (MANE Select); coding-DNA position 368, G replaced by A.
Protein change: p.Arg123His; replaces arginine 123 with histidine.
Molecular consequence: missense variant.
Genome position (GRCh38, 1-based): chr4:154,587,654, C>T on the plus strand (G>A on the coding strand, the complement: FGA is on the minus strand). VCF-style: chr4-154587654-C-T. GRCh37 (hg19) VCF-style: chr4-155508806-C-T.
Other names: p.Arg123His; c.368G>A, p.Arg123His (NM_000508.5); short protein forms R123H.
Identifiers: ClinVar variation 3379566 (VCV003379566.2).

ClinVar aggregate classification (germline): Uncertain significance. Review status: criteria provided, multiple submitters, no conflicts (2 of 4 stars). 2 submissions from 2 submitters: Uncertain significance (2). Last evaluated 2024-12-16.

gnomAD v4.1: 7 of 1,613,156 alleles (0.00043%); highest among the groups gnomAD compares: Admixed American, 0.0017%; no homozygotes.

Submissions (2):

Women's Health and Genetics/Laboratory Corporation of America, LabCorp
Classification: Uncertain significance. Last evaluated: 2024-12-16. Review status: criteria provided, single submitter. Criteria: LabCorp Variant Classification Summary - May 2015. Collection method: clinical testing. Allele origin: germline.
Comment: Variant summary: FGA c.368G>A (p.Arg123His) results in a non-conservative amino acid change located in the Fibrinogen alpha/beta chain family damain (IPR012290) of the encoded protein sequence. Four of five in-silico tools predict a benign effect of the variant on protein function. The variant allele was found at a frequency of 4e-06 in 251006 control chromosomes. The available data on variant occurrences in the general population are insufficient to allow any conclusion about variant significance. To our knowledge, no occurrence of c.368G>A in individuals affected with Dysfibrinogenemia, Congenital and no experimental evidence demonstrating its impact on protein function have been reported. ClinVar contains an entry for this variant (Variation ID: 3379566). Based on the evidence outlined above, the variant was classified as uncertain significance.

Mayo Clinic Laboratories, Mayo Clinic
Classification: Uncertain significance. Last evaluated: 2023-11-09. Review status: criteria provided, single submitter. Criteria: ACMG Guidelines, 2015. Collection method: clinical testing. Allele origin: germline. Observed: 1 variant allele.
Comment: BP4, PM1, PM2_moderate

Literature cited by the submitters: PubMed 16651864 (cited by Mayo Clinic Laboratories, Mayo Clinic); PubMed 29299315 (cited by Mayo Clinic Laboratories, Mayo Clinic).